The following is an entry in ClinVar:

ClinVar aggregate classification (germline): Benign/Likely benign. Review status: criteria provided, multiple submitters, no conflicts (2 of 4 stars). 7 submissions from 7 submitters: Benign (2); Likely benign (3). 2 of the submissions do not count toward it. Last evaluated 2026-09-01.

Conditions:
Vitreoretinopathy. Also called: Vitreoretinal degeneration. Identifiers: MedGen C0344290, MONDO:0020248, HP:0007773.
Wagner disease. Also called: Wagner syndrome; WAGNER VITREORETINOPATHY; Wagner Vitreoretinal Degeneration (Wagner Synrdome); HYALOIDEORETINAL DEGENERATION OF WAGNER; WAGNER VITREORETINAL DEGENERATION; WAGNER SYNDROME 1. Identifiers: Orphanet 898, MedGen C1840452, MONDO:0007740, OMIM 143200.

Allele frequency attached by ClinVar (database versions not stated): 1000 Genomes Project 30x 0.00468; TOPMed 0.00484; 1000 Genomes Project 0.00499; ESP Exome Variant Server 0.00546; gnomAD 0.00819.
gnomAD v4.1: 11,859 of 1,613,968 alleles (0.73%); highest among the groups gnomAD compares: Non-Finnish European, 0.71%; 87 homozygotes.

Submissions (7):

CeGaT Center for Human Genetics Tuebingen
Classification: Likely benign. Last evaluated: 2026-09-01. Review status: criteria provided, single submitter. Criteria: CeGaT Center For Human Genetics Tuebingen Variant Classification Criteria Version 2. Collection method: clinical testing. Allele origin: germline. Affected: yes. Observed: 5 variant alleles.
Comment: VCAN: BP4, BP7, BS2

Labcorp Genetics (formerly Invitae), Labcorp
Classification: Benign. Last evaluated: 2026-01-29. Review status: criteria provided, single submitter. Criteria: Invitae Variant Classification Sherloc (09022015). Collection method: clinical testing. Allele origin: germline.

Illumina Laboratory Services, Illumina
Classification: Benign for Vitreoretinopathy. Last evaluated: 2018-01-13. Review status: criteria provided, single submitter. Criteria: ICSL Variant Classification Criteria 13 December 2019. Collection method: clinical testing. Allele origin: germline.
Comment: This variant was observed in the ICSL laboratory as part of a predisposition screen in an ostensibly healthy population. It had not been previously curated by ICSL or reported in the Human Gene Mutation Database (HGMD: prior to June 1st, 2018), and was therefore a candidate for classification through an automated scoring system. Utilizing variant allele frequency, disease prevalence and penetrance estimates, and inheritance mode, an automated score was calculated to assess if this variant is too frequent to cause the disease. Based on the score and internal cut-off values, a variant classified as benign is not then subjected to further curation. The score for this variant resulted in a classification of benign for this disease.

Clinical Genetics DNA and cytogenetics Diagnostics Lab, Erasmus MC, Erasmus Medical Center
Classification: Likely benign for Wagner disease. Last evaluated: 2017-06-28. Review status: criteria provided, single submitter. Criteria: ACGS Guidelines, 2013. Collection method: clinical testing. Allele origin: germline. Affected: yes. Study: VKGL Data-share Consensus.

Breakthrough Genomics
Classification: Likely benign. Review status: criteria provided, single submitter. Criteria: ACMG Guidelines, 2015. Collection method: not provided. Allele origin: germline. Inheritance: Autosomal dominant inheritance. Affected: yes.

Genome Diagnostics Laboratory, Amsterdam University Medical Center
Classification: Benign for Wagner disease. Last evaluated: 2017-01-20. Review status: no assertion criteria provided. Criteria: ACGS Guidelines, 2013. Collection method: clinical testing. Allele origin: germline. Affected: yes. Study: VKGL Data-share Consensus. Not counted in ClinVar's aggregate classification.

Clinical Genetics, Academic Medical Center
Classification: Benign. Review status: no assertion criteria provided. Collection method: clinical testing. Allele origin: germline. Affected: yes. Study: VKGL Data-share Consensus. Not counted in ClinVar's aggregate classification.

NM_004385.5(VCAN):c.7419C>T (p.Ser2473=)

Genes: VCAN (versican; plus strand), VCAN-AS1 (VCAN antisense RNA 1; minus strand). Cytogenetic location: 5q14.3.
Variant type: single nucleotide variant.
Coding change: c.7419C>T on transcript NM_004385.5 (MANE Select); coding-DNA position 7419, C replaced by T.
Protein change: p.Ser2473=; no amino-acid change (serine 2473 retained).
Molecular consequence: synonymous variant. On other transcripts: intron variant (2).
Genome position (GRCh38, 1-based): chr5:83,540,422, C>T. VCF-style: chr5-83540422-C-T. GRCh37 (hg19) VCF-style: chr5-82836241-C-T.
Other names: c.4458C>T, p.Ser1486= (NM_001164097.2); c.4004-5115C>T (NM_001164098.2); c.1043-5115C>T (NM_001126336.3).
Identifiers: ClinVar variation 354440 (VCV000354440.44), dbSNP rs61754536, ClinGen allele CA3333631.